The following is an entry in ClinVar:

NM_007294.4(BRCA1):c.5211A>C (p.Arg1737Ser)

Gene: BRCA1 (BRCA1 DNA repair associated; minus strand). Cytogenetic location: 17q21.31.
Variant type: single nucleotide variant.
Coding change: c.5211A>C on transcript NM_007294.4 (MANE Select); coding-DNA position 5211, A replaced by C.
Protein change: p.Arg1737Ser; replaces arginine 1737 with serine.
Molecular consequence: missense variant. On other transcripts: non-coding transcript variant (1).
Genome position (GRCh38, 1-based): chr17:43,057,118, T>G on the plus strand (A>C on the coding strand, the complement: BRCA1 is on the minus strand). VCF-style: chr17-43057118-T-G. GRCh37 (hg19) VCF-style: chr17-41209135-T-G.
Other names: c.4944A>C, p.Arg1648Ser (NM_001407927.1, NM_001407928.1, NM_001407929.1 and 4 more transcripts); c.4941A>C, p.Arg1647Ser (NM_001407934.1, NM_001407935.1, NM_001407936.1); c.5067A>C, p.Arg1689Ser (NM_001407945.1, NM_001407734.1, NM_001407735.1 and 21 more transcripts); c.4878A>C, p.Arg1626Ser (NM_001407946.1, NM_001407947.1, NM_001407948.1 and 1 more transcripts); c.4875A>C, p.Arg1625Ser (NM_001407950.1, NM_001407951.1, NM_001407952.1 and 3 more transcripts); c.4704A>C, p.Arg1568Ser (NM_001407965.1); c.4323A>C, p.Arg1441Ser (NM_001407966.1); c.4320A>C, p.Arg1440Ser (NM_001407967.1); and 72 more; short protein forms R1758S, R633S, R1690S, R1737S, R1609S, R1689S, R1732S, R1734S.
Identifiers: ClinVar variation 868188 (VCV000868188.3), dbSNP rs1555576963, ClinGen allele CA10591116.

Conditions:
Breast-ovarian cancer, familial, susceptibility to, 1 (BROVCA1). Also called: BRCA1 Hereditary Breast and Ovarian Cancer; OVARIAN CANCER, SUSCEPTIBILITY TO. Identifiers: Orphanet 145, MedGen C2676676, MONDO:0011450, OMIM 604370. Disease mechanism: loss of function.

Submission:

Brotman Baty Institute, University of Washington
No classification provided (evidence only). Condition: Breast-ovarian cancer, familial 1. Review status: no classification provided. Collection method: in vitro. Allele origin: not applicable. Functional consequence: functionally_normal.
ClinVar note: "not provided" was previously submitted as the classification for the variant. However, the classification appeared to be based only on an observation of functional data so it was converted to no classification on 2025-07-30.